The following is an entry in ClinVar:

ClinVar aggregate classification (germline): Benign (1 of 4 stars; one submission).

Allele frequency attached by ClinVar (database versions not stated): TOPMed 0.40931; 1000 Genomes Project 30x 0.45003; 1000 Genomes Project 0.45767; gnomAD exomes 0.48127.
gnomAD v4.1: 551,885 of 1,167,328 alleles (47%); highest among the groups gnomAD compares: East Asian, 62%; 135,309 homozygotes.

Submission:

Unidad de Genómica Garrahan, Hospital de Pediatría Garrahan
Classification: Benign. Last evaluated: 2024-01-24. Review status: criteria provided, single submitter. Criteria: ACMG Guidelines, 2015. Collection method: clinical testing. Allele origin: germline. Affected: no. Observed: 63 variant alleles.
Comment: This variant is classified as Benign based on local population frequency. This variant was detected in 66% of patients studied by a panel of primary immunodeficiencies. Number of patients: 63. Only high quality variants are reported.

NM_004946.3(DOCK2):c.3756+94A>G

Gene: DOCK2 (dedicator of cytokinesis 2; plus strand). Cytogenetic location: 5q35.1.
Variant type: single nucleotide variant.
Coding change: c.3756+94A>G on transcript NM_004946.3 (MANE Select); 94 bases into the intron after coding-DNA position 3756, A replaced by G.
Molecular consequence: intron variant.
Genome position (GRCh38, 1-based): chr5:170,041,239, A>G. VCF-style: chr5-170041239-A-G. GRCh37 (hg19) VCF-style: chr5-169468243-A-G.
Identifiers: ClinVar variation 2688034 (VCV002688034.2), dbSNP rs2270895, ClinGen allele CA15410410.